The following is an entry in ClinVar:

ClinVar aggregate classification (germline): Uncertain significance (1 of 4 stars; one submission).

Allele frequency attached by ClinVar (database versions not stated): ExAC 0.00001; gnomAD exomes 0.00002.
gnomAD v4.1: 26 of 1,613,528 alleles (0.0016%); highest among the groups gnomAD compares: Non-Finnish European, 0.0021%; no homozygotes.

Submission:

Labcorp Genetics (formerly Invitae), Labcorp
Classification: Uncertain significance. Last evaluated: 2024-07-01. Review status: criteria provided, single submitter. Criteria: Invitae Variant Classification Sherloc (09022015). Collection method: clinical testing. Allele origin: germline.
Comment: This sequence change replaces asparagine, which is neutral and polar, with lysine, which is basic and polar, at codon 4358 of the HMCN1 protein (p.Asn4358Lys). This variant is present in population databases (rs759957447, gnomAD 0.003%). This variant has not been reported in the literature in individuals affected with HMCN1-related conditions. ClinVar contains an entry for this variant (Variation ID: 1951890). An algorithm developed to predict the effect of missense changes on protein structure and function (PolyPhen-2) suggests that this variant is likely to be disruptive. In summary, the available evidence is currently insufficient to determine the role of this variant in disease. Therefore, it has been classified as a Variant of Uncertain Significance.

NM_031935.3(HMCN1):c.13074C>A (p.Asn4358Lys)

Gene: HMCN1 (hemicentin 1; plus strand). Cytogenetic location: 1q31.1.
Variant type: single nucleotide variant.
Coding change: c.13074C>A on transcript NM_031935.3 (MANE Select); coding-DNA position 13074, C replaced by A.
Protein change: p.Asn4358Lys; replaces asparagine 4358 with lysine.
Molecular consequence: missense variant.
Genome position (GRCh38, 1-based): chr1:186,130,541, C>A. VCF-style: chr1-186130541-C-A. GRCh37 (hg19) VCF-style: chr1-186099673-C-A.
Other names: short protein forms N4358K.
Identifiers: ClinVar variation 1951890 (VCV001951890.5), dbSNP rs759957447, ClinGen allele CA1294541.
Genomic context (GRCh38, chr1:186,130,541, plus strand): 5'-TGTACCTGTCTTATGTTGTTTTCCAGAACCTCCAGTCTTCAAAGGTGATTATCCTTCTAA[C>A]TGGATTGAACCACTTGGTGGGAATGCAATCCTGAATTGTGAGGTGAAAGGAGACCCCACC-3'
Protein context (NP_114141.2, residues 4348-4368): PPVFKGDYPS[Asn4358Lys]WIEPLGGNAI